The following is an entry in ClinVar:

ClinVar aggregate classification (germline): Uncertain significance (1 of 4 stars; one submission).

Conditions:
Inborn genetic diseases. Identifiers: MedGen C0950123, MeSH D030342.

Submission:

Ambry Genetics
Classification: Uncertain significance for Inborn genetic diseases. Last evaluated: 2025-12-14. Review status: criteria provided, single submitter. Criteria: Ambry Variant Classification Scheme 2023. Collection method: clinical testing. Allele origin: germline.
Comment: The p.G414E variant (also known as c.1241G>A), located in coding exon 14 of the RTEL1 gene, results from a G to A substitution at nucleotide position 1241. The glycine at codon 414 is replaced by glutamic acid, an amino acid with similar properties. This amino acid position is conserved. In addition, this alteration is predicted to be tolerated by in silico analysis. Based on the available evidence, the clinical significance of this variant remains unclear.

NM_001283009.2(RTEL1):c.1241G>A (p.Gly414Glu)

Genes: RTEL1 (regulator of telomere elongation helicase 1; plus strand), RTEL1-TNFRSF6B (RTEL1-TNFRSF6B readthrough (NMD candidate); plus strand). Cytogenetic location: 20q13.33.
Variant type: single nucleotide variant.
Coding change: c.1241G>A on transcript NM_001283009.2 (MANE Select); coding-DNA position 1241, G replaced by A.
Protein change: p.Gly414Glu; replaces glycine 414 with glutamic acid.
Molecular consequence: missense variant. On other transcripts: non-coding transcript variant (1).
Genome position (GRCh38, 1-based): chr20:63,685,572, G>A. VCF-style: chr20-63685572-G-A. GRCh37 (hg19) VCF-style: chr20-62316925-G-A.
Other names: c.572G>A, p.Gly191Glu (NM_001283010.1); c.1241G>A, p.Gly414Glu (NM_016434.4); c.1313G>A, p.Gly438Glu (NM_032957.5); short protein forms G191E, G438E, G414E.
Identifiers: ClinVar variation 4629657 (VCV004629657.1).